The following is an entry in ClinVar:

ClinVar aggregate classification (germline): Pathogenic. Review status: criteria provided, single submitter (1 of 4 stars). 2 submissions from 2 submitters: Pathogenic (1). 1 of the submissions does not count toward it. Last evaluated 2025-03-20.

Conditions:
Developmental and epileptic encephalopathy 109 (DEE109). Identifiers: MedGen C5774263, MONDO:0859325, OMIM 620145.

Submissions (2):

GeneDx
Classification: Pathogenic. Last evaluated: 2025-03-20. Review status: criteria provided, single submitter. Criteria: GeneDx Variant Classification Process June 2021. Collection method: clinical testing. Allele origin: germline. Affected: yes.
Comment: Not observed at significant frequency in large population cohorts (gnomAD); In silico analysis supports that this missense variant has a deleterious effect on protein structure/function; This variant is associated with the following publications: (PMID: 34788397)

OMIM
Classification: Pathogenic for DEVELOPMENTAL AND EPILEPTIC ENCEPHALOPATHY 109. Last evaluated: 2023-12-14. Review status: no assertion criteria provided. Collection method: literature only. Allele origin: germline. Not counted in ClinVar's aggregate classification.

Literature cited by the submitters: Manivannan, S. N., Roovers, J., Smal, N., Myers, C. T., Turkdogan, D., Roelens, F., Kanca, O., Chung, H.-L., Scholz, T., Hermann, K., Bierhals, T., Caglayan, H. S., Stamberger, H., MAE Working Group of EuroEPINOMICS RES Consortium, Mefford, H., de Jonghe, P., Yamamoto, S., Weckhuysen, S., Bellen, H. J. De novo FZR1 loss-of-function variants cause developmental and epileptic encephalopathies. Brain 145: 1684-1697, 2022. (cited by OMIM).

NM_016263.4(FZR1):c.999C>A (p.Asn333Lys)

Gene: FZR1 (fizzy and cell division cycle 20 related 1; plus strand). Cytogenetic location: 19p13.3.
Variant type: single nucleotide variant.
Coding change: c.999C>A on transcript NM_016263.4 (MANE Select); coding-DNA position 999, C replaced by A.
Protein change: p.Asn333Lys; replaces asparagine 333 with lysine.
Molecular consequence: missense variant.
Genome position (GRCh38, 1-based): chr19:3,532,086, C>A. VCF-style: chr19-3532086-C-A. GRCh37 (hg19) VCF-style: chr19-3532084-C-A.
Other names: FZR1, ASN333LYS, 999C-A; c.999C>A (NM_016263.3); c.732C>A, p.Asn244Lys (NM_001136197.1); c.999C>A, p.Asn333Lys (NM_001136198.1); short protein forms N333K, N244K.
Identifiers: ClinVar variation 1802186 (VCV001802186.3), dbSNP rs1002017728, ClinGen allele CA403324015.